The following is an entry in ClinVar:

ClinVar aggregate classification (germline): Conflicting classifications of pathogenicity. Review status: criteria provided, conflicting classifications (1 of 4 stars). 7 submissions from 7 submitters: Likely pathogenic (4); Uncertain significance (3). Last evaluated 2026-09-14.

Conditions:
Monogenic hearing loss.
Rare genetic deafness. Identifiers: Orphanet 96210, MedGen C5680250.
Inborn genetic diseases. Identifiers: MedGen C0950123, MeSH D030342.
Autosomal recessive nonsyndromic hearing loss 3. Also called: NEUROSENSORY NONSYNDROMIC RECESSIVE DEAFNESS 3. Identifiers: Orphanet 90636, MedGen C1838263, MONDO:0010860, OMIM 600316.

Allele frequency attached by ClinVar (database versions not stated): gnomAD exomes 0.00002 and 0.00001; ExAC 0.00001; TOPMed 0.00002.
gnomAD v4.1: 24 of 1,613,934 alleles (0.0015%); highest among the groups gnomAD compares: East Asian, 0.0022%; no homozygotes.

Submissions (7):

Ambry Genetics
Classification: Uncertain significance for Inborn genetic diseases. Last evaluated: 2026-09-14. Review status: criteria provided, single submitter. Criteria: Ambry Variant Classification Scheme 2023. Collection method: clinical testing. Allele origin: germline.
Comment: The c.6437G>A (p.R2146Q) alteration is located in exon 30 (coding exon 29) of the MYO15A gene. This alteration results from a G to A substitution at nucleotide position 6437, causing the arginine (R) at amino acid position 2146 to be replaced by a glutamine (Q). Based on data from gnomAD, the A allele has an overall frequency of 0.001% (3/248620) total alleles studied. The highest observed frequency was 0.006% (1/17972) of East Asian alleles. This variant has been identified in the homozygous state and/or in conjunction with other MYO15A variant(s) in individual(s) with features consistent with MYO15A-related nonsyndromic hearing loss; in at least one instance, the variants were identified in trans (Woo, 2013). Another variant at the same codon, c.6436C>T, (p. R2146W) has been identified in individual(s) with features consistent with MYO15A-related nonsyndromic hearing loss (Mehregan, 2019; Abolhassani, 2024). This amino acid position is highly conserved in available vertebrate species. The in silico prediction for this alteration is inconclusive. Based on insufficient or conflicting evidence, the clinical significance of this alteration remains unclear.

Genetics Laboratory, Great Ormond Street Hospital NHS Foundation Trust, North Thames Genomic Laboratory Hub
Classification: Likely pathogenic for Monogenic hearing loss. Last evaluated: 2025-12-30. Review status: criteria provided, single submitter. Criteria: ACGS Best Practice Guidelines for Variant Classification in Rare Disease 2024 v1.2. Collection method: clinical testing. Allele origin: germline. Affected: yes.
Comment: PM2_moderate, PP3_supporting, PM5_moderate, PM1_moderate

GeneDx
Classification: Likely pathogenic. Last evaluated: 2025-11-06. Review status: criteria provided, single submitter. Criteria: GeneDx Variant Classification Process June 2021. Collection method: clinical testing. Allele origin: germline.
Comment: Not observed at significant frequency in large population cohorts (gnomAD); In silico analysis supports that this missense variant has a deleterious effect on protein structure/function; This variant is associated with the following publications: (PMID: 32617096, 29849560, 30579064, 31579092, 34388253, 26242193, 26445815, 27375115, 33208113, 23865914)

Women's Health and Genetics/Laboratory Corporation of America, LabCorp
Classification: Uncertain significance. Last evaluated: 2025-10-15. Review status: criteria provided, single submitter. Criteria: LabCorp Variant Classification Summary - May 2015. Collection method: clinical testing. Allele origin: germline.
Comment: Variant summary: MYO15A c.6437G>A (p.Arg2146Gln) results in a conservative amino acid change located in the MyTH4 domain (IPR000857) of the encoded protein sequence. Algorithms developed to predict the effect of missense changes on protein structure and function are either unavailable or do not agree on the potential impact of this missense change. The variant allele was found at a frequency of 1.2e-05 in 248620 control chromosomes. c.6437G>A has been reported in the literature in compound heterozygous state in two siblings, who carried a likely pathogenic variant in trans, and were affected with profound, bilateral nonsyndromic hearing loss (Woo_2013), in addition the variant was also reported in heterozygous state (i.e. without specifying a variant in trans) in an individual with nonsyndromic hearing loss in the setting of a multigene panel testing (Sloan-Heggen_2015). To our knowledge, no experimental evidence demonstrating an impact on protein function has been reported. The following publications have been ascertained in the context of this evaluation (PMID: 26445815, 23865914). ClinVar contains an entry for this variant (Variation ID: 228275). Based on the evidence outlined above, the variant was classified as VUS-possibly pathogenic.

Revvity Omics, Revvity
Classification: Uncertain significance for Autosomal recessive nonsyndromic hearing loss 3. Last evaluated: 2022-04-07. Review status: criteria provided, single submitter. Criteria: ACMG Guidelines, 2015. Collection method: clinical testing. Allele origin: germline.

Laboratory for Molecular Medicine, Mass General Brigham Personalized Medicine
Classification: Likely pathogenic for Rare genetic deafness. Last evaluated: 2016-03-08. Review status: criteria provided, single submitter. Criteria: LMM Criteria. Collection method: clinical testing. Allele origin: germline. Observed: 2 variant alleles.
Comment: Both siblings were compound heterozygous for this varian t and a reportedly pathogenic variant (c.4320+1G>A; Woo 2013). This variant has been identified in 1/65676 European chromosomes by the Exome Aggregation Consort ium (ExAC; dbSNP rs760980785). Although this var iant has been seen in the general population, its frequency is low enough to be consistent with a recessive carrier frequency. Computational prediction tools an d conservation analyses suggest that the p.Arg2146Gln variant may impact the pro tein, though this information alone is not predictive enough to determine pathog enicity. In summary, although additional studies are required to fully establish its clinical significance, this variant is likely pathogenic.

Genetics Research Center, University of Social Welfare and Rehabilitation Sciences
Classification: Likely pathogenic for Autosomal recessive nonsyndromic hearing loss 3. Review status: criteria provided, single submitter. Criteria: ACMG Guidelines, 2015. Collection method: research. Allele origin: germline. Affected: yes.
Comment: The variant is present in the gnomAD v2.1.1 dataset at a very low allele frequency (0.001%). It has been previously reported in multiple individuals affected with MYO15A-related autosomal recessive nonsyndromic hearing loss and segregates with disease (PMID:26445815, 30953472, 31579092, 23865914). Multiple in silico prediction tools suggest that the variant is damaging to protein function.

Literature cited by the submitters: PubMed 23865914 (cited by 4 submitters); PubMed 30579064 (cited by Ambry Genetics); PubMed 38374194 (cited by Ambry Genetics); PubMed 26445815 (cited by Women's Health and Genetics/Laboratory Corporation of America, LabCorp and Genetics Research Center, University of Social Welfare and Rehabilitation Sciences); PubMed 30953472 (cited by Genetics Research Center, University of Social Welfare and Rehabilitation Sciences); PubMed 31579092 (cited by Genetics Research Center, University of Social Welfare and Rehabilitation Sciences).

NM_016239.4(MYO15A):c.6437G>A (p.Arg2146Gln)

Gene: MYO15A (myosin XVA; plus strand). Cytogenetic location: 17p11.2.
Variant type: single nucleotide variant.
Coding change: c.6437G>A on transcript NM_016239.4 (MANE Select); coding-DNA position 6437, G replaced by A.
Protein change: p.Arg2146Gln; replaces arginine 2146 with glutamine.
Molecular consequence: missense variant.
Genome position (GRCh38, 1-based): chr17:18,146,035, G>A. VCF-style: chr17-18146035-G-A. GRCh37 (hg19) VCF-style: chr17-18049349-G-A.
Other names: short protein forms R2146Q.
Identifiers: ClinVar variation 228275 (VCV000228275.14), dbSNP rs760980785, ClinGen allele CA8424588.